The following is an entry in ClinVar:

ClinVar aggregate classification (germline): Likely benign. Review status: criteria provided, multiple submitters, no conflicts (2 of 4 stars). 5 submissions from 5 submitters: Likely benign (4). 1 of the submissions does not count toward it. Last evaluated 2024-11-20.

Conditions:
TPM1-related disorder. Also called: TPM1-related condition.
Cardiomyopathy (CMYO). Also called: Cardiomyopathies. Identifiers: Orphanet 167848, MedGen C0878544, MONDO:0004994, HP:0001638. Inheritance: Various modes of inheritance.

Allele frequency attached by ClinVar (database versions not stated): ESP Exome Variant Server 0.00008; gnomAD exomes 0.00025 and 0.00010; TOPMed 0.00005; gnomAD 0.00013 and 0.00012; ExAC 0.00016.
gnomAD v4.1: 165 of 1,614,038 alleles (0.01%); highest among the groups gnomAD compares: Middle Eastern, 0.016%; 1 homozygote.

Submissions (5):

Blueprint Genetics
Classification: Likely benign. Last evaluated: 2024-11-20. Review status: criteria provided, single submitter. Criteria: ACMG Guidelines, 2015. Collection method: clinical testing. Allele origin: germline.

CeGaT Center for Human Genetics Tuebingen
Classification: Likely benign. Last evaluated: 2023-07-01. Review status: criteria provided, single submitter. Criteria: CeGaT Center For Human Genetics Tuebingen Variant Classification Criteria Version 2. Collection method: clinical testing. Allele origin: germline. Affected: yes. Observed: 2 variant alleles.
Comment: TPM1: BP4

GeneDx
Classification: Likely benign. Last evaluated: 2019-01-23. Review status: criteria provided, single submitter. Criteria: GeneDx Variant Classification Process June 2021. Collection method: clinical testing. Allele origin: germline. Affected: yes.

Color Diagnostics, LLC DBA Color Health
Classification: Likely benign for Cardiomyopathy. Last evaluated: 2018-11-27. Review status: criteria provided, single submitter. Criteria: ACMG Guidelines, 2015. Collection method: clinical testing. Allele origin: germline.

PreventionGenetics, part of Exact Sciences
Classification: Likely benign for TPM1-related condition. Last evaluated: 2020-04-08. Review status: no assertion criteria provided. Collection method: clinical testing. Allele origin: germline. Not counted in ClinVar's aggregate classification.
Comment: This variant is classified as likely benign based on ACMG/AMP sequence variant interpretation guidelines (Richards et al. 2015 PMID: 25741868, with internal and published modifications).

NM_001018020.2(TPM1):c.835C>T (p.Leu279=)

Gene: TPM1 (tropomyosin 1; plus strand). Cytogenetic location: 15q22.2.
Variant type: single nucleotide variant.
Coding change: c.835C>T on transcript NM_001018020.2; coding-DNA position 835, C replaced by T.
Protein change: p.Leu279=; no amino-acid change (leucine 279 retained).
Molecular consequence: synonymous variant. On other transcripts: 3 prime UTR variant (7), non-coding transcript variant (12).
Genome position (GRCh38, 1-based): chr15:63,071,152, C>T. VCF-style: chr15-63071152-C-T. GRCh37 (hg19) VCF-style: chr15-63363351-C-T.
Other names: c.*1209C>T (NM_001365776.1, NM_001407336.1, NM_001407337.1 and 3 more transcripts); c.961C>T, p.Leu321= (NM_001365778.1); c.*29C>T (NM_001407326.1); c.835C>T, p.Leu279= (NM_001018004.2, NM_001018006.2, NM_001018007.2); c.727C>T, p.Leu243= (NM_001301289.2, NM_001330344.2).
Identifiers: ClinVar variation 378751 (VCV000378751.30), dbSNP rs374434837, ClinGen allele CA034321.